The following is an entry in ClinVar:

NM_015450.3(POT1):c.1568C>G (p.Ser523Trp)

Gene: POT1 (protection of telomeres 1; minus strand). Cytogenetic location: 7q31.33.
Variant type: single nucleotide variant.
Coding change: c.1568C>G on transcript NM_015450.3 (MANE Select); coding-DNA position 1568, C replaced by G.
Protein change: p.Ser523Trp; replaces serine 523 with tryptophan.
Molecular consequence: missense variant. On other transcripts: non-coding transcript variant (2).
Genome position (GRCh38, 1-based): chr7:124,829,280, G>C on the plus strand (C>G on the coding strand, the complement: POT1 is on the minus strand). VCF-style: chr7-124829280-G-C. GRCh37 (hg19) VCF-style: chr7-124469334-G-C.
Other names: c.1175C>G, p.Ser392Trp (NM_001042594.2); short protein forms S523W, S392W.
Identifiers: ClinVar variation 475051 (VCV000475051.12), dbSNP rs139388603, ClinGen allele CA369064409.
Genomic context (GRCh38, chr7:124,829,280, plus strand): 5'-AGTTAAAATTGCAGGGCATGGAAATTTAGCTAACCTTCTGCCACAGAAGAAGGAATCCAC[G>C]ATGTTTTATCAACCAGGGAATTTAGATTTTGTATGGATCTCAAACTAGAACACTGTTTAC-3'
Protein context (NP_056265.2, residues 513-533): QNLNSLVDKT[Ser523Trp]WIPSSVAEAL

ClinVar aggregate classification (germline): Uncertain significance. Review status: criteria provided, multiple submitters, no conflicts (2 of 4 stars). 2 submissions from 2 submitters: Uncertain significance (2). Last evaluated 2025-07-13.

Conditions:
Tumor predisposition syndrome 3 (TPDS3). Also called: Glioma susceptibility 9; LONG TELOMERE SYNDROME, POT1-RELATED; POT1 Tumor Predisposition; Melanoma, cutaneous malignant, susceptibility to, 10. Identifiers: Orphanet 618, MedGen C4014476, MONDO:0014368, OMIM 615848.
Hereditary cancer-predisposing syndrome. Also called: Hereditary neoplastic syndrome; Hereditary Cancer Syndrome; Neoplastic Syndromes, Hereditary; Tumor predisposition. Identifiers: Orphanet 140162, MedGen C0027672, MeSH D009386, MONDO:0015356.

Allele frequency attached by ClinVar (database versions not stated): TOPMed below 0.00001; gnomAD 0.00002.
gnomAD v4.1: 5 of 1,604,782 alleles (0.00031%); highest among the groups gnomAD compares: Non-Finnish European, 0.00043%; no homozygotes.

Submissions (2):

Labcorp Genetics (formerly Invitae), Labcorp
Classification: Uncertain significance for Tumor predisposition syndrome 3. Last evaluated: 2025-07-13. Review status: criteria provided, single submitter. Criteria: Invitae Variant Classification Sherloc (09022015). Collection method: clinical testing. Allele origin: germline.
Comment: This sequence change replaces serine, which is neutral and polar, with tryptophan, which is neutral and slightly polar, at codon 523 of the POT1 protein (p.Ser523Trp). This variant is not present in population databases (gnomAD no frequency). This variant has not been reported in the literature in individuals affected with POT1-related conditions. ClinVar contains an entry for this variant (Variation ID: 475051). Invitae Evidence Modeling of protein sequence and biophysical properties (such as structural, functional, and spatial information, amino acid conservation, physicochemical variation, residue mobility, and thermodynamic stability) indicates that this missense variant is not expected to disrupt POT1 protein function with a negative predictive value of 80%. Algorithms developed to predict the effect of sequence changes on RNA splicing suggest that this variant may disrupt the consensus splice site. In summary, the available evidence is currently insufficient to determine the role of this variant in disease. Therefore, it has been classified as a Variant of Uncertain Significance.

Ambry Genetics
Classification: Uncertain significance for Hereditary cancer-predisposing syndrome. Last evaluated: 2023-10-04. Review status: criteria provided, single submitter. Criteria: Ambry Variant Classification Scheme 2023. Collection method: clinical testing. Allele origin: germline.
Comment: The p.S523W variant (also known as c.1568C>G), located in coding exon 12 of the POT1 gene, results from a C to G substitution at nucleotide position 1568. The serine at codon 523 is replaced by tryptophan, an amino acid with highly dissimilar properties. This amino acid position is well conserved in available vertebrate species. In addition, this alteration is predicted to be tolerated by in silico analysis. Since supporting evidence is limited at this time, the clinical significance of this alteration remains unclear.